The following is an entry in ClinVar:

ClinVar aggregate classification (germline): Uncertain significance (1 of 4 stars; one submission).

Conditions:
Familial cold autoinflammatory syndrome 3 (FCAS3). Also called: ANTIBODY DEFICIENCY AND IMMUNE DYSREGULATION, PLCG2-ASSOCIATED; FAMILIAL ATYPICAL COLD URTICARIA. Identifiers: Orphanet 300359, MedGen C3280914, MONDO:0013766, OMIM 614468.

gnomAD v4.1: 18 of 1,613,698 alleles (0.0011%); highest among the groups gnomAD compares: Non-Finnish European, 0.0015%; no homozygotes.

Submission:

Labcorp Genetics (formerly Invitae), Labcorp
Classification: Uncertain significance for Familial cold autoinflammatory syndrome 3. Last evaluated: 2024-05-29. Review status: criteria provided, single submitter. Criteria: Invitae Variant Classification Sherloc (09022015). Collection method: clinical testing. Allele origin: germline.
Comment: This sequence change replaces serine, which is neutral and polar, with cysteine, which is neutral and slightly polar, at codon 110 of the PLCG2 protein (p.Ser110Cys). This variant is present in population databases (no rsID available, gnomAD 0.01%). This variant has not been reported in the literature in individuals affected with PLCG2-related conditions. An algorithm developed to predict the effect of missense changes on protein structure and function (PolyPhen-2) suggests that this variant is likely to be disruptive. In summary, the available evidence is currently insufficient to determine the role of this variant in disease. Therefore, it has been classified as a Variant of Uncertain Significance.

NM_002661.5(PLCG2):c.328A>T (p.Ser110Cys)

Gene: PLCG2 (phospholipase C gamma 2; plus strand). Cytogenetic location: 16q23.3.
Variant type: single nucleotide variant.
Coding change: c.328A>T on transcript NM_002661.5 (MANE Select); coding-DNA position 328, A replaced by T.
Protein change: p.Ser110Cys; replaces serine 110 with cysteine.
Molecular consequence: missense variant.
Genome position (GRCh38, 1-based): chr16:81,854,578, A>T. VCF-style: chr16-81854578-A-T. GRCh37 (hg19) VCF-style: chr16-81888183-A-T.
Other names: c.328A>T, p.Ser110Cys (NM_001425749.1, NM_001425750.1, NM_001425751.1); short protein forms S110C.
Identifiers: ClinVar variation 3625706 (VCV003625706.2).